The following is an entry in ClinVar:

ClinVar aggregate classification (germline): Conflicting classifications of pathogenicity. Review status: criteria provided, conflicting classifications (1 of 4 stars). 3 submissions from 3 submitters: Likely pathogenic (2); Uncertain significance (1). Last evaluated 2026-06-15.

Conditions:
Polycystic kidney disease, adult type (PKD1). Also called: Polycystic Kidney, Autosomal Dominant; POLYCYSTIC KIDNEY DISEASE 1 WITH OR WITHOUT POLYCYSTIC LIVER DISEASE; POLYCYSTIC KIDNEY DISEASE, ADULT, TYPE I; Polycystic Kidney Disease 1, Autosomal Dominant; Polycystic kidney disease 1; Polycystic kidney disease 1, severe. Identifiers: MedGen C3149841, MONDO:0008263, OMIM 173900.

Submissions (3):

Women's Health and Genetics/Laboratory Corporation of America, LabCorp
Classification: Uncertain significance. Last evaluated: 2026-06-15. Review status: criteria provided, single submitter. Criteria: LabCorp Variant Classification Summary - May 2015. Collection method: clinical testing. Allele origin: germline.
Comment: Variant summary: PKD1 c.8483T>C (p.Leu2828Pro) results in a non-conservative amino acid change in the encoded protein sequence. Algorithms developed to predict the effect of missense changes on protein structure and function are either unavailable or do not agree on the potential impact of this missense change. The variant was absent in 247648 control chromosomes. The available data on variant occurrences in the general population are insufficient to allow any conclusion about variant significance. To our knowledge, no occurrence of c.8483T>C in individuals affected with PKD1-related conditions and no experimental evidence demonstrating its impact on protein function have been reported. ClinVar contains an entry for this variant (Variation ID: 448019). Based on the evidence outlined above, the variant was classified as uncertain significance.

Fulgent Genetics
Classification: Likely pathogenic for Polycystic kidney disease, adult type. Last evaluated: 2024-02-14. Review status: criteria provided, single submitter. Criteria: ACMG Guidelines, 2015. Collection method: clinical testing. Allele origin: germline.

Athena Diagnostics
Classification: Likely pathogenic. Last evaluated: 2016-11-08. Review status: criteria provided, single submitter. Criteria: Athena Diagnostics Criteria. Collection method: clinical testing. Allele origin: germline.

NM_001009944.3(PKD1):c.8483T>C (p.Leu2828Pro)

Gene: PKD1 (polycystin 1, transient receptor potential channel interacting; minus strand). Cytogenetic location: 16p13.3.
Variant type: single nucleotide variant.
Coding change: c.8483T>C on transcript NM_001009944.3 (MANE Select); coding-DNA position 8483, T replaced by C.
Protein change: p.Leu2828Pro; replaces leucine 2828 with proline.
Molecular consequence: missense variant.
Genome position (GRCh38, 1-based): chr16:2,103,574, A>G on the plus strand (T>C on the coding strand, the complement: PKD1 is on the minus strand). VCF-style: chr16-2103574-A-G. GRCh37 (hg19) VCF-style: chr16-2153575-A-G.
Other names: c.8483T>C, p.Leu2828Pro (NM_000296.4); short protein forms L2828P.
Identifiers: ClinVar variation 448019 (VCV000448019.3), dbSNP rs1555451143, ClinGen allele CA394363715.